The following is an entry in ClinVar:

ClinVar aggregate classification (germline): Uncertain significance. Review status: criteria provided, single submitter (1 of 4 stars). 2 submissions from 2 submitters: Uncertain significance (1). 1 of the submissions does not count toward it. Last evaluated 2025-04-24.

Conditions:
ANKRD26-related disorder. Also called: ANKRD26-related condition.
Inborn genetic diseases. Identifiers: MedGen C0950123, MeSH D030342.

Submissions (2):

Ambry Genetics
Classification: Uncertain significance for Inborn genetic diseases. Last evaluated: 2025-04-24. Review status: criteria provided, single submitter. Criteria: Ambry Variant Classification Scheme 2023. Collection method: clinical testing. Allele origin: germline.
Comment: The p.S244C variant (also known as c.731C>G), located in coding exon 6 of the ANKRD26 gene, results from a C to G substitution at nucleotide position 731. The serine at codon 244 is replaced by cysteine, an amino acid with dissimilar properties. This amino acid position is conserved. In addition, this alteration is predicted to be tolerated by in silico analysis. Based on the available evidence, the clinical significance of this variant remains unclear.

PreventionGenetics, part of Exact Sciences
Classification: Uncertain significance for ANKRD26-related condition. Last evaluated: 2024-09-01. Review status: no assertion criteria provided. Collection method: clinical testing. Allele origin: germline. Not counted in ClinVar's aggregate classification.
Comment: The ANKRD26 c.731C>G variant is predicted to result in the amino acid substitution p.Ser244Cys. To our knowledge, this variant has not been reported in the literature or in gnomAD, indicating this variant is rare. This variant has not been reported in ClinVar. At this time, the clinical significance of this variant is uncertain due to the absence of conclusive functional and genetic evidence.

NM_014915.3(ANKRD26):c.731C>G (p.Ser244Cys)

Gene: ANKRD26 (ankyrin repeat domain containing 26; minus strand). Cytogenetic location: 10p12.1.
Variant type: single nucleotide variant.
Coding change: c.731C>G on transcript NM_014915.3 (MANE Select); coding-DNA position 731, C replaced by G.
Protein change: p.Ser244Cys; replaces serine 244 with cysteine.
Molecular consequence: missense variant.
Genome position (GRCh38, 1-based): chr10:27,082,812, G>C on the plus strand (C>G on the coding strand, the complement: ANKRD26 is on the minus strand). VCF-style: chr10-27082812-G-C. GRCh37 (hg19) VCF-style: chr10-27371741-G-C.
Other names: c.731C>G, p.Ser244Cys (NM_001256053.2); short protein forms S244C.
Identifiers: ClinVar variation 3347884 (VCV003347884.2).